The following is an entry in ClinVar:

NM_005660.3(SLC35A2):c.1129C>T (p.Arg377Cys)

Gene: SLC35A2 (solute carrier family 35 member A2; minus strand). Cytogenetic location: Xp11.23.
Variant type: single nucleotide variant.
Coding change: c.1129C>T on transcript NM_005660.3 (MANE Select); coding-DNA position 1129, C replaced by T.
Protein change: p.Arg377Cys; replaces arginine 377 with cysteine.
Molecular consequence: missense variant.
Genome position (GRCh38, 1-based): chrX:48,904,780, G>A on the plus strand (C>T on the coding strand, the complement: SLC35A2 is on the minus strand). VCF-style: chrX-48904780-G-A. GRCh37 (hg19) VCF-style: chrX-48762057-G-A.
Other names: c.539C>T, p.Pro180Leu (NM_001032289.3, NM_001282647.2); c.1129C>T, p.Arg377Cys (NM_001042498.3); c.467C>T, p.Pro156Leu (NM_001282648.2); c.946C>T, p.Arg316Cys (NM_001282649.2); c.1168C>T, p.Arg390Cys (NM_001282650.2); c.1213C>T, p.Arg405Cys (NM_001282651.2); short protein forms P156L, P180L, R316C, R377C, R390C, R405C.
Identifiers: ClinVar variation 1050652 (VCV001050652.9), dbSNP rs782483874, ClinGen allele CA10406052.

ClinVar aggregate classification (germline): Benign. Review status: criteria provided, single submitter (1 of 4 stars). 2 submissions from 2 submitters: Benign (1). 1 of the submissions does not count toward it. Last evaluated 2025-01-06.

Conditions:
SLC35A2-congenital disorder of glycosylation. Also called: SLC35A2-CDG; CONGENITAL DISORDER OF GLYCOSYLATION, TYPE IIm; CDG IIm; CONGENITAL DISORDER OF GLYCOSYLATION, TYPE IIm, SOMATIC MOSAIC; EPILEPTIC ENCEPHALOPATHY, EARLY INFANTILE, 22; DEVELOPMENTAL AND EPILEPTIC ENCEPHALOPATHY 22. Identifiers: Orphanet 356961, MedGen C3806688, MONDO:0010478, OMIM 300896.

Allele frequency attached by ClinVar (database versions not stated): gnomAD 0.00001; ExAC 0.00002; gnomAD exomes 0.00002; TOPMed 0.00003.
gnomAD v4.1: 13 of 1,209,677 alleles (0.0011%); highest among the groups gnomAD compares: African/African-American, 0.0017%; no homozygotes.

Submissions (2):

Labcorp Genetics (formerly Invitae), Labcorp
Classification: Benign for SLC35A2-congenital disorder of glycosylation. Last evaluated: 2025-01-06. Review status: criteria provided, single submitter. Criteria: Invitae Variant Classification Sherloc (09022015). Collection method: clinical testing. Allele origin: germline.

Department of Pathology and Laboratory Medicine, Sinai Health System
Classification: Likely benign. Review status: no assertion criteria provided. Collection method: clinical testing. Allele origin: unknown. Affected: yes. Study: The Canadian Open Genetics Repository (COGR). Not counted in ClinVar's aggregate classification.
Comment: The SLC35A2 p.Arg377Cys variant was not identified in the literature nor was it identified in ClinVar. The variant was identified in dbSNP (ID: rs782483874) and in control databases in 3 of 182339 chromosomes (1 hemizygous) at a frequency of 0.00001645 (Genome Aggregation Database March 6, 2019, v2.1.1). The variant was observed in the following populations: African in 1 of 13094 chromosomes (freq: 0.000076) and European (non-Finnish) in 2 of 81343 chromosomes (freq: 0.000025), but was not observed in the Latino, Ashkenazi Jewish, East Asian, European (Finnish), Other, or South Asian populations. The p.Arg377 residue is not conserved in mammals and four out of five computational analyses (PolyPhen-2, SIFT, AlignGVGD, BLOSUM, MutationTaster) do not suggest a high likelihood of impact to the protein; however, this information is not predictive enough to rule out pathogenicity. The variant occurs outside of the splicing consensus sequence and in silico or computational prediction software programs (SpliceSiteFinder, MaxEntScan, NNSPLICE, GeneSplicer) do not predict a difference in splicing. In summary, based on the above information the clinical significance of this variant cannot be determined with certainty at this time although we would lean towards a more benign role for this variant. This variant is classified as likely benign.